The following is an entry in ClinVar:

ClinVar aggregate classification (germline): Uncertain significance. Review status: criteria provided, multiple submitters, no conflicts (2 of 4 stars). 2 submissions from 2 submitters: Uncertain significance (2). Last evaluated 2025-03-04.

Conditions:
ADAMTS18-related disorder. Also called: ADAMTS18-related condition.

gnomAD v4.1: 148 of 1,612,564 alleles (0.0092%); highest among the groups gnomAD compares: Non-Finnish European, 0.012%; no homozygotes.

Submissions (2):

PreventionGenetics, part of Exact Sciences
Classification: Uncertain significance for ADAMTS18-related condition. Last evaluated: 2025-03-04. Review status: criteria provided, single submitter. Criteria: ACMG Guidelines, 2015. Collection method: clinical testing. Allele origin: germline.
Comment: The ADAMTS18 c.3568G>C variant is predicted to result in the amino acid substitution p.Asp1190His. To our knowledge, this variant has not been reported in the literature. This variant is reported in 0.0044% of alleles in individuals of European (Non-Finnish) descent in gnomAD. At this time, the clinical significance of this variant is uncertain due to the absence of conclusive functional and genetic evidence.

Blueprint Genetics
Classification: Uncertain significance. Last evaluated: 2022-12-09. Review status: criteria provided, single submitter. Criteria: ACMG Guidelines, 2015. Collection method: clinical testing. Allele origin: germline.

NM_199355.4(ADAMTS18):c.3568G>C (p.Asp1190His)

Gene: ADAMTS18 (ADAM metallopeptidase with thrombospondin type 1 motif 18; minus strand). Cytogenetic location: 16q23.1.
Variant type: single nucleotide variant.
Coding change: c.3568G>C on transcript NM_199355.4 (MANE Select); coding-DNA position 3568, G replaced by C.
Protein change: p.Asp1190His; replaces aspartic acid 1190 with histidine.
Molecular consequence: missense variant.
Genome position (GRCh38, 1-based): chr16:77,284,054, C>G on the plus strand (G>C on the coding strand, the complement: ADAMTS18 is on the minus strand). VCF-style: chr16-77284054-C-G. GRCh37 (hg19) VCF-style: chr16-77317951-C-G.
Other names: c.3052G>C, p.Asp1018His (NM_001326358.2); c.3568G>C (NM_199355.3); short protein forms D1190H, D1018H.
Identifiers: ClinVar variation 4931325 (VCV004931325.2).